The following is an entry in ClinVar:

ClinVar aggregate classification (germline): Benign/Likely benign. Review status: criteria provided, multiple submitters, no conflicts (2 of 4 stars). 3 submissions from 3 submitters: Benign (1); Likely benign (2). Last evaluated 2024-07-15.

Allele frequency attached by ClinVar (database versions not stated): gnomAD exomes 0.01998; gnomAD 0.02157 and 0.02281; TOPMed 0.03140; 1000 Genomes Project 0.04193; 1000 Genomes Project 30x 0.04372.
gnomAD v4.1: 21,698 of 1,072,866 alleles (2%); highest among the groups gnomAD compares: Admixed American, 16%; 1,148 homozygotes.

Submissions (3):

Unidad de Genómica Garrahan, Hospital de Pediatría Garrahan
Classification: Benign. Last evaluated: 2024-07-15. Review status: criteria provided, single submitter. Criteria: ACMG Guidelines, 2015. Collection method: clinical testing. Allele origin: germline. Affected: no. Observed: 22 variant alleles.
Comment: This variant is classified as Benign based on local population frequency. This variant was detected in 24% of patients studied in a panel designed for Epileptic and Developmental Encephalopathy and Progressive Myoclonus Epilepsy. Number of patients: 22. Only high quality variants are reported.

GeneDx
Classification: Likely benign. Last evaluated: 2018-06-26. Review status: criteria provided, single submitter. Criteria: GeneDx Variant Classification Process June 2021. Collection method: clinical testing. Allele origin: germline. Affected: yes.

Breakthrough Genomics
Classification: Likely benign. Review status: criteria provided, single submitter. Criteria: ACMG Guidelines, 2015. Collection method: not provided. Allele origin: germline. Inheritance: Autosomal dominant inheritance. Affected: yes.

NM_001165963.4(SCN1A):c.4338+74C>T

Genes: SCN1A (sodium voltage-gated channel alpha subunit 1; minus strand), LOC102724058 (uncharacterized LOC102724058; plus strand). Cytogenetic location: 2q24.3.
Variant type: single nucleotide variant.
Coding change: c.4338+74C>T on transcript NM_001165963.4 (MANE Select); 74 bases into the intron after coding-DNA position 4338, C replaced by T.
Molecular consequence: intron variant.
Genome position (GRCh38, 1-based): chr2:165,999,649, G>A on the plus strand (C>T on the coding strand, the complement: SCN1A is on the minus strand). VCF-style: chr2-165999649-G-A. GRCh37 (hg19) VCF-style: chr2-166856159-G-A.
Other names: c.4305+74C>T (NM_001353949.2, NM_001353950.2, NM_001353951.2 and 2 more transcripts); c.4254+74C>T (NM_001353958.2, NM_001353957.2, NM_001165964.3); c.4338+74C>T (NM_001202435.3, NM_001353948.2); c.4302+74C>T (NM_001353955.2, NM_001353954.2); c.4251+74C>T (NM_001353960.2); c.1896+74C>T (NM_001353961.2).
Identifiers: ClinVar variation 1205323 (VCV001205323.6), dbSNP rs4305294, ClinGen allele CA59768481.